The following is an entry in ClinVar:

NM_001142800.2(EYS):c.5353dup (p.Ser1785fs)

Gene: EYS (EGF-like photoreceptor maintenance factor; minus strand). Cytogenetic location: 6q12.
Variant type: Duplication.
Coding change: c.5353dup on transcript NM_001142800.2 (MANE Select); coding-DNA position 5353, one base duplicated (T; older notation c.5353dupT).
Protein change: p.Ser1785fs; shifts the reading frame from serine 1785.
Molecular consequence: frameshift variant.
Genome position (GRCh38, 1-based): chr6:64,590,514, A duplicated on the plus strand (T on the coding strand, the reverse complement: EYS is on the minus strand); the first of 5 consecutive A bases (chr6:64,590,514-64,590,518); duplicating any one gives the same sequence. VCF-style (leftmost placement, unchanged base first): chr6-64590513-G-GA. GRCh37 (hg19) VCF-style: chr6-65300406-G-GA.
Other names: c.5353dup, p.Ser1785fs (NM_001292009.2); short protein forms S1785fs.
Identifiers: ClinVar variation 2029286 (VCV002029286.5), dbSNP rs2149831198, ClinGen allele CA2580075658.

ClinVar aggregate classification (germline): Pathogenic/Likely pathogenic. Review status: criteria provided, multiple submitters, no conflicts (2 of 4 stars). 2 submissions from 2 submitters: Pathogenic (1); Likely pathogenic (1). Last evaluated 2022-09-22.

Conditions:
EYS-related disorder. Also called: EYS-related condition.

Submissions (2):

Labcorp Genetics (formerly Invitae), Labcorp
Classification: Pathogenic. Last evaluated: 2022-09-22. Review status: criteria provided, single submitter. Criteria: Invitae Variant Classification Sherloc (09022015). Collection method: clinical testing. Allele origin: germline.
Comment: This variant is not present in population databases (gnomAD no frequency). For these reasons, this variant has been classified as Pathogenic. This variant has not been reported in the literature in individuals affected with EYS-related conditions. This sequence change creates a premature translational stop signal (p.Ser1785Phefs*30) in the EYS gene. It is expected to result in an absent or disrupted protein product. Loss-of-function variants in EYS are known to be pathogenic (PMID: 18836446, 20333770).

Blueprint Genetics
Classification: Likely pathogenic for EYS-related disorders. Last evaluated: 2018-06-11. Review status: criteria provided, single submitter. Criteria: ACMG Guidelines, 2015. Collection method: clinical testing. Allele origin: germline. Affected: yes. Observed: 1 variant allele.

Literature cited by the submitters: PubMed 18836446 (cited by Labcorp Genetics (formerly Invitae), Labcorp); PubMed 20333770 (cited by Labcorp Genetics (formerly Invitae), Labcorp).